The following is an entry in ClinVar:

ClinVar aggregate classification (germline): Uncertain significance (1 of 4 stars; one submission).

Conditions:
Cystic fibrosis (CF). Also called: MUCOVISCIDOSIS. Identifiers: Orphanet 586, MedGen C0010674, MONDO:0009061, OMIM 219700. Disease mechanism: loss of function.

Submission:

Ambry Genetics
Classification: Uncertain significance for Cystic fibrosis. Last evaluated: 2026-07-17. Review status: criteria provided, single submitter. Criteria: Ambry Variant Classification Scheme 2023. Collection method: clinical testing. Allele origin: germline.
Comment: The p.K381E variant (also known as c.1141A>G), located in coding exon 9 of the CFTR gene, results from an A to G substitution at nucleotide position 1141. The lysine at codon 381 is replaced by glutamic acid, an amino acid with similar properties. This amino acid position is well conserved in available vertebrate species. In addition, this alteration is predicted to be deleterious by in silico analysis. Based on the available evidence, the clinical significance of this variant remains unclear.

NM_000492.4(CFTR):c.1141A>G (p.Lys381Glu)

Gene: CFTR (CF transmembrane conductance regulator; plus strand). Cytogenetic location: 7q31.2.
Variant type: single nucleotide variant.
Coding change: c.1141A>G on transcript NM_000492.4 (MANE Select); coding-DNA position 1141, A replaced by G.
Protein change: p.Lys381Glu; replaces lysine 381 with glutamic acid.
Molecular consequence: missense variant.
Genome position (GRCh38, 1-based): chr7:117,542,040, A>G. VCF-style: chr7-117542040-A-G. GRCh37 (hg19) VCF-style: chr7-117182094-A-G.
Other names: short protein forms K381E.
Identifiers: ClinVar variation 5034440 (VCV005034440.1).